The following is an entry in ClinVar:

ClinVar aggregate classification (germline): Uncertain significance (1 of 4 stars; one submission).

Allele frequency attached by ClinVar (database versions not stated): TOPMed below 0.00001.

Submission:

Labcorp Genetics (formerly Invitae), Labcorp
Classification: Uncertain significance. Last evaluated: 2024-10-30. Review status: criteria provided, single submitter. Criteria: Invitae Variant Classification Sherloc (09022015). Collection method: clinical testing. Allele origin: germline.
Comment: This sequence change replaces alanine, which is neutral and non-polar, with threonine, which is neutral and polar, at codon 549 of the SLC25A12 protein (p.Ala549Thr). This variant is not present in population databases (gnomAD no frequency). This variant has not been reported in the literature in individuals affected with SLC25A12-related conditions. ClinVar contains an entry for this variant (Variation ID: 2822566). Invitae Evidence Modeling of protein sequence and biophysical properties (such as structural, functional, and spatial information, amino acid conservation, physicochemical variation, residue mobility, and thermodynamic stability) indicates that this missense variant is not expected to disrupt SLC25A12 protein function with a negative predictive value of 80%. In summary, the available evidence is currently insufficient to determine the role of this variant in disease. Therefore, it has been classified as a Variant of Uncertain Significance.

NM_003705.5(SLC25A12):c.1645G>A (p.Ala549Thr)

Gene: SLC25A12 (solute carrier family 25 member 12; minus strand). Cytogenetic location: 2q31.1.
Variant type: single nucleotide variant.
Coding change: c.1645G>A on transcript NM_003705.5 (MANE Select); coding-DNA position 1645, G replaced by A.
Protein change: p.Ala549Thr; replaces alanine 549 with threonine.
Molecular consequence: missense variant. On other transcripts: non-coding transcript variant (1).
Genome position (GRCh38, 1-based): chr2:171,787,888, C>T on the plus strand (G>A on the coding strand, the complement: SLC25A12 is on the minus strand). VCF-style: chr2-171787888-C-T. GRCh37 (hg19) VCF-style: chr2-172644398-C-T.
Other names: short protein forms A549T.
Identifiers: ClinVar variation 2822566 (VCV002822566.3), dbSNP rs1690518407, ClinGen allele CA349288041.
Genomic context (GRCh38, chr2:171,787,888, plus strand): 5'-GGAGAATCTTCCTGAAACAGTCGATGACACCACTGTATGTCGTCTGGCCAGCGCGGGCAG[C>T]CACCTGCAGTCTTGTCTTGATGACATCAGCAGGGGTCACCAGAGATGCAGCTGGGACACC-3'
Protein context (NP_003696.2, residues 539-559): ADVIKTRLQV[Ala549Thr]ARAGQTTYSG